The following is an entry in ClinVar:

NM_001853.4(COL9A3):c.1445C>T (p.Pro482Leu)

Genes: COL9A3 (collagen type IX alpha 3 chain; plus strand), LOC126863084 (MED14-independent group 3 enhancer GRCh37_chr20:61467141-61468340; plus strand). Cytogenetic location: 20q13.33.
Variant type: single nucleotide variant.
Coding change: c.1445C>T on transcript NM_001853.4 (MANE Select); coding-DNA position 1445, C replaced by T.
Protein change: p.Pro482Leu; replaces proline 482 with leucine.
Molecular consequence: missense variant.
Genome position (GRCh38, 1-based): chr20:62,836,230, C>T. VCF-style: chr20-62836230-C-T. GRCh37 (hg19) VCF-style: chr20-61467582-C-T.
Other names: c.1445C>T (NM_001853.3); short protein forms P482L.
Identifiers: ClinVar variation 1475161 (VCV001475161.7), dbSNP rs1358925319, ClinGen allele CA409597073.

ClinVar aggregate classification (germline): Uncertain significance. Review status: criteria provided, multiple submitters, no conflicts (2 of 4 stars). 2 submissions from 2 submitters: Uncertain significance (2). Last evaluated 2026-06-09.

Conditions:
Inborn genetic diseases. Identifiers: MedGen C0950123, MeSH D030342.

gnomAD v4.1: 1 of 1,613,708 alleles (0.000062%); highest among the groups gnomAD compares: African/African-American, 0.0013%; no homozygotes.

Submissions (2):

Ambry Genetics
Classification: Uncertain significance for Inborn genetic diseases. Last evaluated: 2026-06-09. Review status: criteria provided, single submitter. Criteria: Ambry Variant Classification Scheme 2023. Collection method: clinical testing. Allele origin: germline.

Labcorp Genetics (formerly Invitae), Labcorp
Classification: Uncertain significance. Last evaluated: 2021-04-24. Review status: criteria provided, single submitter. Criteria: Invitae Variant Classification Sherloc (09022015). Collection method: clinical testing. Allele origin: germline.
Comment: In summary, the available evidence is currently insufficient to determine the role of this variant in disease. Therefore, it has been classified as a Variant of Uncertain Significance. Advanced modeling of protein sequence and biophysical properties (such as structural, functional, and spatial information, amino acid conservation, physicochemical variation, residue mobility, and thermodynamic stability) performed at Invitae indicates that this missense variant is not expected to disrupt COL9A3 protein function. This variant has not been reported in the literature in individuals with COL9A3-related conditions. This variant is not present in population databases (ExAC no frequency). This sequence change replaces proline with leucine at codon 482 of the COL9A3 protein (p.Pro482Leu). The proline residue is highly conserved and there is a moderate physicochemical difference between proline and leucine.